The following is an entry in ClinVar:

ClinVar aggregate classification (germline): Uncertain significance (1 of 4 stars; one submission).

Conditions:
Wilms tumor 1 (WT1). Also called: Wilms tumor, somatic. Identifiers: Orphanet 654, MedGen CN033288, MONDO:0008679, OMIM 194070.

Submission:

Labcorp Genetics (formerly Invitae), Labcorp
Classification: Uncertain significance for Wilms tumor 1. Last evaluated: 2022-10-21. Review status: criteria provided, single submitter. Criteria: Invitae Variant Classification Sherloc (09022015). Collection method: clinical testing. Allele origin: germline.
Comment: In summary, the available evidence is currently insufficient to determine the role of this variant in disease. Therefore, it has been classified as a Variant of Uncertain Significance. Advanced modeling of protein sequence and biophysical properties (such as structural, functional, and spatial information, amino acid conservation, physicochemical variation, residue mobility, and thermodynamic stability) performed at Invitae indicates that this missense variant is not expected to disrupt GPC3 protein function. This variant has not been reported in the literature in individuals affected with GPC3-related conditions. This variant is not present in population databases (gnomAD no frequency). This sequence change replaces phenylalanine, which is neutral and non-polar, with isoleucine, which is neutral and non-polar, at codon 367 of the GPC3 protein (p.Phe367Ile).

NM_004484.4(GPC3):c.1099T>A (p.Phe367Ile)

Gene: GPC3 (glypican 3; minus strand). Cytogenetic location: Xq26.2.
Variant type: single nucleotide variant.
Coding change: c.1099T>A on transcript NM_004484.4 (MANE Select); coding-DNA position 1099, T replaced by A.
Protein change: p.Phe367Ile; replaces phenylalanine 367 with isoleucine.
Molecular consequence: missense variant.
Genome position (GRCh38, 1-based): chrX:133,699,962, A>T on the plus strand (T>A on the coding strand, the complement: GPC3 is on the minus strand). VCF-style: chrX-133699962-A-T. GRCh37 (hg19) VCF-style: chrX-132833990-A-T.
Other names: c.1168T>A, p.Phe390Ile (NM_001164617.2); c.1051T>A, p.Phe351Ile (NM_001164618.2); c.937T>A, p.Phe313Ile (NM_001164619.2); short protein forms F313I, F367I, F351I, F390I.
Identifiers: ClinVar variation 2806108 (VCV002806108.3), dbSNP rs2521161023, ClinGen allele CA414699810.
Genomic context (GRCh38, chrX:133,699,962, plus strand): 5'-GGCTGGATAAGGTTTCTTCATGTTCTACATGAGCAACTTTTAATACTTTCTTGTCAATAA[A>T]GAGATCTTCAGGATAATAAGCAGATCTATATTGGCGTTGTTGAGAATGGGCACATAACTT-3'
Protein context (NP_004475.1, residues 357-377): YRSAYYPEDL[Phe367Ile]IDKKVLKVAH